The following is an entry in ClinVar:

NM_005585.5(SMAD6):c.683G>T (p.Arg228Leu)

Gene: SMAD6 (SMAD family member 6; plus strand). Cytogenetic location: 15q22.31.
Variant type: single nucleotide variant.
Coding change: c.683G>T on transcript NM_005585.5 (MANE Select); coding-DNA position 683, G replaced by T.
Protein change: p.Arg228Leu; replaces arginine 228 with leucine.
Molecular consequence: missense variant. On other transcripts: non-coding transcript variant (1).
Genome position (GRCh38, 1-based): chr15:66,703,941, G>T. VCF-style: chr15-66703941-G-T. GRCh37 (hg19) VCF-style: chr15-66996279-G-T.
Other names: short protein forms R228L.
Identifiers: ClinVar variation 3690767 (VCV003690767.2).

ClinVar aggregate classification (germline): Uncertain significance (1 of 4 stars; one submission).

Conditions:
Aortic valve disease 2 (AOVD2). Identifiers: MedGen C3542024, MONDO:0013902, OMIM 614823.

Submission:

Labcorp Genetics (formerly Invitae), Labcorp
Classification: Uncertain significance for Aortic valve disease 2. Last evaluated: 2026-01-13. Review status: criteria provided, single submitter. Criteria: Invitae Variant Classification Sherloc (09022015). Collection method: clinical testing. Allele origin: germline.
Comment: This sequence change replaces arginine, which is basic and polar, with leucine, which is neutral and non-polar, at codon 228 of the SMAD6 protein (p.Arg228Leu). This variant is not present in population databases (gnomAD no frequency). This variant has not been reported in the literature in individuals affected with SMAD6-related conditions. ClinVar contains an entry for this variant (Variation ID: 3690767). Invitae Evidence Modeling of protein sequence and biophysical properties (such as structural, functional, and spatial information, amino acid conservation, physicochemical variation, residue mobility, and thermodynamic stability) indicates that this missense variant is not expected to disrupt SMAD6 protein function with a negative predictive value of 80%. In summary, the available evidence is currently insufficient to determine the role of this variant in disease. Therefore, it has been classified as a Variant of Uncertain Significance.